The following is an entry in ClinVar:

ClinVar aggregate classification (germline): Pathogenic (1 of 4 stars; one submission).

gnomAD v4.1: 18 of 1,613,922 alleles (0.0011%); highest among the groups gnomAD compares: Admixed American, 0.0033%; no homozygotes.

Submission:

GeneDx
Classification: Pathogenic. Last evaluated: 2024-09-20. Review status: criteria provided, single submitter. Criteria: GeneDx Variant Classification Process June 2021. Collection method: clinical testing. Allele origin: germline. Affected: yes.
Comment: Nonsense variant predicted to result in protein truncation, as the last 2749 amino acids are lost, and other loss-of-function variants have been reported downstream in HGMD; Not observed at significant frequency in large population cohorts (gnomAD); Has not been previously published as pathogenic or benign to our knowledge; This variant is associated with the following publications: (PMID: 16444271)

NM_002016.2(FLG):c.3937C>T (p.Gln1313Ter)

Genes: CCDST (cervical cancer associated DHX9 suppressive transcript; plus strand), FLG (filaggrin; minus strand). Cytogenetic location: 1q21.3.
Variant type: single nucleotide variant.
Coding change: c.3937C>T on transcript NM_002016.2 (MANE Select); coding-DNA position 3937, C replaced by T.
Protein change: p.Gln1313Ter; replaces glutamine 1313 with a stop codon.
Molecular consequence: nonsense.
Genome position (GRCh38, 1-based): chr1:152,310,949, G>A on the plus strand (C>T on the coding strand, the complement: FLG is on the minus strand). VCF-style: chr1-152310949-G-A. GRCh37 (hg19) VCF-style: chr1-152283425-G-A.
Other names: short protein forms Q1313*.
Identifiers: ClinVar variation 3774021 (VCV003774021.1).
Genomic context (GRCh38, chr1:152,310,949, plus strand): 5'-GATGAGTGCCTGATTGTCTGGAGCTGTCTGCAGAGTGCCCGTGACTGGCTCTGTCTTCTT[G>A]ATGGAACCCAGGGTGTCTGGAGCCATCTCTTGACTGCTCCCGAGAAGATCCATGATGGTT-3'